The following is an entry in ClinVar:

NM_000051.4(ATM):c.2090T>G (p.Leu697Ter)

Gene: ATM (ATM serine/threonine kinase; plus strand). Cytogenetic location: 11q22.3.
Variant type: single nucleotide variant.
Coding change: c.2090T>G on transcript NM_000051.4 (MANE Select); coding-DNA position 2090, T replaced by G.
Protein change: p.Leu697Ter; replaces leucine 697 with a stop codon.
Molecular consequence: nonsense.
Genome position (GRCh38, 1-based): chr11:108,254,005, T>G. VCF-style: chr11-108254005-T-G. GRCh37 (hg19) VCF-style: chr11-108124732-T-G.
Other names: c.2090T>G, p.Leu697Ter (NM_001351834.2); short protein forms L697*.
Identifiers: ClinVar variation 820697 (VCV000820697.11), dbSNP rs1591534936, ClinGen allele CA382537624.

ClinVar aggregate classification (germline): Pathogenic. Review status: criteria provided, multiple submitters, no conflicts (2 of 4 stars). 3 submissions from 3 submitters: Pathogenic (3). Last evaluated 2024-01-17.

Conditions:
Ataxia-telangiectasia syndrome (AT). Also called: Cerebello-oculocutaneous telangiectasia; Immunodeficiency with ataxia telangiectasia; Ataxia-telangiectasia, complementation group E; Ataxia-telangiectasia, complementation group D; AT, COMPLEMENTATION GROUP C; ATAXIA-TELANGIECTASIA, COMPLEMENTATION GROUP A. Identifiers: Orphanet 100, MedGen C0004135, MONDO:0008840, OMIM 208900.
Hereditary cancer-predisposing syndrome. Also called: Hereditary Cancer Syndrome; Neoplastic Syndromes, Hereditary; Hereditary neoplastic syndrome; Tumor predisposition. Identifiers: Orphanet 140162, MedGen C0027672, MeSH D009386, MONDO:0015356.
Familial cancer of breast. Also called: Hereditary breast cancer; hereditary breast carcinoma; BREAST CANCER, FAMILIAL. Identifiers: Orphanet 227535, MedGen C0346153, MONDO:0016419, OMIM 114480. Disease mechanism: loss of function.

Submissions (3):

Myriad Genetics, Inc.
Classification: Pathogenic for Familial cancer of breast. Last evaluated: 2024-01-17. Review status: criteria provided, single submitter. Criteria: Myriad Autosomal Dominant, Autosomal Recessive and X-Linked Classification Criteria (2023). Collection method: clinical testing. Allele origin: unknown.
Comment: This variant is considered pathogenic. This variant creates a termination codon and is predicted to result in premature protein truncation.

Labcorp Genetics (formerly Invitae), Labcorp
Classification: Pathogenic for Ataxia-telangiectasia syndrome. Last evaluated: 2020-05-21. Review status: criteria provided, single submitter. Criteria: Invitae Variant Classification Sherloc (09022015). Collection method: clinical testing. Allele origin: germline.
Comment: This sequence change creates a premature translational stop signal (p.Leu697*) in the ATM gene. It is expected to result in an absent or disrupted protein product. This variant is not present in population databases (ExAC no frequency). This variant has not been reported in the literature in individuals with ATM-related conditions. ClinVar contains an entry for this variant (Variation ID: 820697). For these reasons, this variant has been classified as Pathogenic. Loss-of-function variants in ATM are known to be pathogenic (PMID: 23807571, 25614872).

Ambry Genetics
Classification: Pathogenic for Hereditary cancer-predisposing syndrome. Last evaluated: 2019-09-25. Review status: criteria provided, single submitter. Criteria: Ambry Variant Classification Scheme 2023. Collection method: clinical testing. Allele origin: germline.
Comment: The p.L697* pathogenic mutation (also known as c.2090T>G), located in coding exon 12 of the ATM gene, results from a T to G substitution at nucleotide position 2090. This changes the amino acid from a leucine to a stop codon within coding exon 12. This alteration is expected to result in loss of function by premature protein truncation or nonsense-mediated mRNA decay. As such, this alteration is interpreted as a disease-causing mutation.

Literature cited by the submitters: PubMed 23807571 (cited by Labcorp Genetics (formerly Invitae), Labcorp); PubMed 25614872 (cited by Labcorp Genetics (formerly Invitae), Labcorp).